The following is an entry in ClinVar:

ClinVar aggregate classification (germline): Uncertain significance (1 of 4 stars; one submission).

Conditions:
Nephronophthisis. Also called: Juvenile Nephronophthisis. Identifiers: Orphanet 655, MedGen C0687120, MONDO:0019005, HP:0000090.

Submission:

Labcorp Genetics (formerly Invitae), Labcorp
Classification: Uncertain significance for Nephronophthisis. Last evaluated: 2022-07-05. Review status: criteria provided, single submitter. Criteria: Invitae Variant Classification Sherloc (09022015). Collection method: clinical testing. Allele origin: germline.
Comment: In summary, the available evidence is currently insufficient to determine the role of this variant in disease. Therefore, it has been classified as a Variant of Uncertain Significance. Algorithms developed to predict the effect of missense changes on protein structure and function are either unavailable or do not agree on the potential impact of this missense change (SIFT: "Deleterious"; PolyPhen-2: "Probably Damaging"; Align-GVGD: "Class C0"). This variant has not been reported in the literature in individuals affected with INVS-related conditions. This variant is not present in population databases (gnomAD no frequency). This sequence change replaces asparagine, which is neutral and polar, with lysine, which is basic and polar, at codon 516 of the INVS protein (p.Asn516Lys).

NM_014425.5(INVS):c.1548T>G (p.Asn516Lys)

Gene: INVS (inversin; plus strand). Cytogenetic location: 9q31.1.
Variant type: single nucleotide variant.
Coding change: c.1548T>G on transcript NM_014425.5 (MANE Select); coding-DNA position 1548, T replaced by G.
Protein change: p.Asn516Lys; replaces asparagine 516 with lysine.
Molecular consequence: missense variant. On other transcripts: non-coding transcript variant (1).
Genome position (GRCh38, 1-based): chr9:100,264,905, T>G. VCF-style: chr9-100264905-T-G. GRCh37 (hg19) VCF-style: chr9-103027187-T-G.
Other names: c.1260T>G, p.Asn420Lys (NM_001318381.2); c.570T>G, p.Asn190Lys (NM_001318382.2); short protein forms N420K, N190K, N516K.
Identifiers: ClinVar variation 2128243 (VCV002128243.4), dbSNP rs1832739369, ClinGen allele CA374236660.